The following is an entry in ClinVar:

NM_000551.4(VHL):c.461C>G (p.Pro154Arg)

Genes: VHL (von Hippel-Lindau tumor suppressor; plus strand), LOC107303340 (3p25 von Hippel-Lindau tumor suppressor, E3 ubiquitin protein ligase Alu-mediated recombination region; plus strand). Cytogenetic location: 3p25.3.
Variant type: single nucleotide variant.
Coding change: c.461C>G on transcript NM_000551.4 (MANE Select); coding-DNA position 461, C replaced by G.
Protein change: p.Pro154Arg; replaces proline 154 with arginine.
Molecular consequence: missense variant. On other transcripts: intron variant (2).
Genome position (GRCh38, 1-based): chr3:10,146,634, C>G. VCF-style: chr3-10146634-C-G. GRCh37 (hg19) VCF-style: chr3-10188318-C-G.
Other names: NM_000551.4(VHL):c.461C>G; p.Pro154Arg; c.*18-3153C>G (NM_001354723.2); c.341-3153C>G (NM_198156.3); short protein forms P154R.
Identifiers: ClinVar variation 560745 (VCV000560745.17), dbSNP rs1399097617, ClinGen allele CA351754408.
Genomic context (GRCh38, chr3:10,146,634, plus strand): 5'-AATTATTTGTGCCATCTCTCAATGTTGACGGACAGCCTATTTTTGCCAATATCACACTGC[C>G]AGGTACTGACGTTTTACTTTTTAAAAAGATAAGGTTGTTGTGGTAAGTACAGGATAGACC-3'
Protein context (NP_000542.1, residues 144-164): GQPIFANITL[Pro154Arg]VYTLKERCLQ

ClinVar aggregate classification (germline): Uncertain significance. Review status: reviewed by expert panel (3 of 4 stars). 8 submissions from 8 submitters: Uncertain significance (1). 7 of the submissions do not count toward it. Last evaluated 2024-06-25.

Conditions:
Von Hippel-Lindau syndrome (VHLS). Also called: von Hippel–Lindau syndrome; VHL syndrome; Von Hippel-Lindau. Identifiers: Orphanet 892, MedGen C0019562, MONDO:0008667, OMIM 193300. Disease mechanism: loss of function.
Chuvash polycythemia. Also called: POLYCYTHEMIA, VHL-DEPENDENT. Identifiers: Orphanet 238557, MedGen C1837915, MONDO:0009892, OMIM 263400.
Hereditary cancer-predisposing syndrome. Also called: Neoplastic Syndromes, Hereditary; Tumor predisposition; Hereditary Cancer Syndrome; Hereditary neoplastic syndrome. Identifiers: Orphanet 140162, MedGen C0027672, MeSH D009386, MONDO:0015356.
VHL-related disorder. Also called: VHL-related condition.

Allele frequency attached by ClinVar (database versions not stated): gnomAD exomes below 0.00001.
gnomAD v4.1: 4 of 1,613,650 alleles (0.00025%); highest among the groups gnomAD compares: South Asian, 0.0044%; no homozygotes.

Submissions (8):

ClinGen VHL Variant Curation Expert Panel, ClinGen
Classification: Uncertain significance for Von Hippel-Lindau syndrome. Last evaluated: 2024-06-25. Review status: reviewed by expert panel. Criteria: ClinGen VHL VCEP ACMG Specifications VHL V1. Collection method: curation. Allele origin: germline. Inheritance: Autosomal dominant inheritance.
Comment: The variant NM_000551.3(VHL):c.461C>G (p.Pro154Arg) is a missense variant predicted to cause substitution of Proline by Arginine. This variant is in the nuclear export domain, a critical functional domain of VHL (PM1). The computational predictor REVEL gives a score of 0.942, which is above the threshold of >0.664, evidence that correlates with impact to VHL function (PP3). Of three commercial laboratories, two report no subjects with this variant. There is no further detail on phenotype/screening for VHL related phenotypes. Therefore the PS4 code is not met. The GroupMax Filtering Allele Frequency (95% CI) in gnomAD v4.1.0 is 0.00001425 (4/86248 from South Asian Population). This is lower than the ClinGen VHL VCEP threshold expected for VHL disease, of >=0.0000156 (0.00156%) for BS1, and therefore does not meet any criterion (BS1, BA1, PM2_Supporting are not met). Three other variants are reported in ClinVar at this position: Pro154Ala, Pro154Ser and Pro154Leu. All have Chuvash polycythemia and VHL as listed conditions. However, only Pro154Leu is reported as Pathogenic. Proline to Leucine is a distance of 98 and Proline to Arginine is a distance of 103 based on Grantham's table (1974). The Arginine substitution has a larger Grantham distance than Leucine. At this time the VHL VCEP has not classified Pro154Leu, and PM5 is not met. In summary, this variant meets the criteria to be classified as Uncertain for autosomal-dominant von Hippel Lindau syndrome (VHL syndrome) based on the ACMG/AMP criteria applied, as specified by the ClinGen VHL VCEP Version 1.0 (Specifications approval date: 02/26/2024. Variant Approval Date 06/25/2024).

PreventionGenetics, part of Exact Sciences
Classification: Uncertain significance for VHL-related condition. Last evaluated: 2025-06-25. Review status: criteria provided, single submitter. Criteria: ACMG Guidelines, 2015. Collection method: clinical testing. Allele origin: germline. Not counted in ClinVar's aggregate classification.
Comment: The VHL c.461C>G variant is predicted to result in the amino acid substitution p.Pro154Arg. To our knowledge, this variant has not been reported in the literature. Alternate missense changes at the same amino acid position (p.Pro154Ser, p.Pro154Leu) have been reported to be causative for pheochromocytoma (Takahashi et al. 2006. PubMed ID: 16595991) and Von Hippel-Lindau syndrome (Crossey et al. 1994. PubMed ID: 7987306), respectively. This variant is reported in 0.0033% of alleles in individuals of South Asian descent in gnomAD and is interpreted as uncertain by the ClinGen VHL VCEP. At this time, the clinical significance of this variant is uncertain due to the absence of conclusive functional and genetic evidence.

Labcorp Genetics (formerly Invitae), Labcorp
Classification: Uncertain significance for Von Hippel-Lindau syndrome; Chuvash polycythemia. Last evaluated: 2025-02-07. Review status: criteria provided, single submitter. Criteria: Invitae Variant Classification Sherloc (09022015). Collection method: clinical testing. Allele origin: germline. Not counted in ClinVar's aggregate classification.
Comment: This sequence change replaces proline, which is neutral and non-polar, with arginine, which is basic and polar, at codon 154 of the VHL protein (p.Pro154Arg). This variant is present in population databases (no rsID available, gnomAD 0.003%). This variant has not been reported in the literature in individuals affected with VHL-related conditions. ClinVar contains an entry for this variant (Variation ID: 560745). An algorithm developed to predict the effect of missense changes on protein structure and function (PolyPhen-2) suggests that this variant is likely to be disruptive. This variant disrupts the p.Pro154 amino acid residue in VHL. Other variant(s) that disrupt this residue have been determined to be pathogenic (PMID: 7987306, 8956040, 17024664, 20660572, 23143947, 25867206). This suggests that this residue is clinically significant, and that variants that disrupt this residue are likely to be disease-causing. In summary, the available evidence is currently insufficient to determine the role of this variant in disease. Therefore, it has been classified as a Variant of Uncertain Significance.

Mayo Clinic Laboratories, Mayo Clinic
Classification: Uncertain significance. Last evaluated: 2024-10-15. Review status: criteria provided, single submitter. Criteria: ACMG Guidelines, 2015. Collection method: clinical testing. Allele origin: germline. Observed: 1 variant allele. Not counted in ClinVar's aggregate classification.
Comment: PP3, PM1, PM2_supporting

Ambry Genetics
Classification: Uncertain significance for Hereditary cancer-predisposing syndrome. Last evaluated: 2024-06-19. Review status: criteria provided, single submitter. Criteria: Ambry Variant Classification Scheme 2023. Collection method: clinical testing. Allele origin: germline. Not counted in ClinVar's aggregate classification.
Comment: The p.P154R variant (also known as c.461C>G), located in coding exon 2 of the VHL gene, results from a C to G substitution at nucleotide position 461. The proline at codon 154 is replaced by arginine, an amino acid with dissimilar properties. This amino acid position is highly conserved in available vertebrate species. In addition, this alteration is predicted to be deleterious by in silico analysis. Based on the available evidence, the clinical significance of this variant remains unclear.

All of Us Research Program, National Institutes of Health
Classification: Uncertain significance for Von Hippel-Lindau syndrome. Last evaluated: 2023-10-23. Review status: criteria provided, single submitter. Criteria: ACMG Guidelines, 2015. Collection method: clinical testing. Allele origin: germline. Inheritance: Autosomal dominant inheritance. Observed: 1 variant allele, 1 heterozygote. Not counted in ClinVar's aggregate classification.
Comment: This missense variant replaces proline with arginine at codon 154 of the VHL protein. Computational prediction suggests that this variant may have deleterious impact on protein structure and function (internally defined REVEL score threshold >= 0.7, PMID: 27666373). To our knowledge, functional studies have not been reported for this variant. This variant has not been reported in individuals affected with VHL-related disorders in the literature. This variant has been identified in 1/251494 chromosomes in the general population by the Genome Aggregation Database (gnomAD). Different variants occurring at the same codon, p.Pro154Leu and p.Pro154Ser, are well-documented pathogenic variants (ClinVar Variation ID: 649525, 486714), indicating that proline at this position is important for VHL protein function. The available evidence is insufficient to determine the role of this variant in disease conclusively. Therefore, this variant is classified as a Variant of Uncertain Significance.

This study involves interpretation of variants in research participants for the purpose of population health screening. Participant phenotype was not available at the time of variant classification. Additional details can be found in publication PMID: 35346344, PMCID: PMC8962531

Baylor Genetics
Classification: Uncertain significance for Chuvash polycythemia. Last evaluated: 2023-08-03. Review status: criteria provided, single submitter. Criteria: ACMG Guidelines, 2015. Collection method: clinical testing. Allele origin: unknown. Not counted in ClinVar's aggregate classification.

GeneDx
Classification: Uncertain significance. Last evaluated: 2022-05-16. Review status: criteria provided, single submitter. Criteria: GeneDx Variant Classification Process June 2021. Collection method: clinical testing. Allele origin: germline. Affected: yes. Not counted in ClinVar's aggregate classification.
Comment: Not observed at significant frequency in large population cohorts (gnomAD); In silico analysis supports that this missense variant has a deleterious effect on protein structure/function; Has not been previously published as pathogenic or benign to our knowledge; Also known as c.674C>G; p.(P225R) and p.(P199R)

Literature cited by the submitters: PubMed 7987306 (cited by Labcorp Genetics (formerly Invitae), Labcorp); PubMed 8956040 (cited by Labcorp Genetics (formerly Invitae), Labcorp); PubMed 17024664 (cited by Labcorp Genetics (formerly Invitae), Labcorp); PubMed 20660572 (cited by Labcorp Genetics (formerly Invitae), Labcorp); PubMed 23143947 (cited by Labcorp Genetics (formerly Invitae), Labcorp); PubMed 25867206 (cited by Labcorp Genetics (formerly Invitae), Labcorp).